The following is an entry in ClinVar:

NM_015346.4(ZFYVE26):c.5834G>A (p.Arg1945Gln)

Gene: ZFYVE26 (zinc finger FYVE-type containing 26; minus strand). Cytogenetic location: 14q24.1.
Variant type: single nucleotide variant.
Coding change: c.5834G>A on transcript NM_015346.4 (MANE Select); coding-DNA position 5834, G replaced by A.
Protein change: p.Arg1945Gln; replaces arginine 1945 with glutamine.
Molecular consequence: missense variant.
Genome position (GRCh38, 1-based): chr14:67,766,404, C>T on the plus strand (G>A on the coding strand, the complement: ZFYVE26 is on the minus strand). VCF-style: chr14-67766404-C-T. GRCh37 (hg19) VCF-style: chr14-68233121-C-T.
Other names: short protein forms R1945Q.
Identifiers: ClinVar variation 1163951 (VCV001163951.12), dbSNP rs200595749, ClinGen allele CA7239376.

ClinVar aggregate classification (germline): Uncertain significance. Review status: criteria provided, multiple submitters, no conflicts (2 of 4 stars). 5 submissions from 5 submitters: Uncertain significance (5). Last evaluated 2023-08-11.

Conditions:
Spastic paraplegia. Identifiers: MedGen C0037772, HP:0001258.
Hereditary spastic paraplegia 15 (SPG15). Also called: SPASTIC PARAPLEGIA AND RETINAL DEGENERATION; KJELLIN SYNDROME; SPASTIC PARAPLEGIA 15, AUTOSOMAL RECESSIVE. Identifiers: Orphanet 100996, MedGen C1849128, MONDO:0010044, OMIM 270700.
Hereditary spastic paraplegia. Also called: Familial spastic paraparesis. Identifiers: Orphanet 685, MedGen C0037773, MONDO:0019064. Disease mechanism: loss of function.

Allele frequency attached by ClinVar (database versions not stated): gnomAD exomes 0.00004 and 0.00009; gnomAD 0.00009; ExAC 0.00010; TOPMed 0.00012.
gnomAD v4.1: 84 of 1,612,334 alleles (0.0052%); highest among the groups gnomAD compares: Middle Eastern, 0.021%; no homozygotes.

Submissions (5):

Blueprint Genetics
Classification: Uncertain significance. Last evaluated: 2023-08-11. Review status: criteria provided, single submitter. Criteria: ACMG Guidelines, 2015. Collection method: clinical testing. Allele origin: germline.

Labcorp Genetics (formerly Invitae), Labcorp
Classification: Uncertain significance for Spastic paraplegia. Last evaluated: 2022-07-06. Review status: criteria provided, single submitter. Criteria: Invitae Variant Classification Sherloc (09022015). Collection method: clinical testing. Allele origin: germline.
Comment: This sequence change replaces arginine, which is basic and polar, with glutamine, which is neutral and polar, at codon 1945 of the ZFYVE26 protein (p.Arg1945Gln). This variant is present in population databases (rs200595749, gnomAD 0.01%). This variant has not been reported in the literature in individuals affected with ZFYVE26-related conditions. ClinVar contains an entry for this variant (Variation ID: 1163951). Algorithms developed to predict the effect of missense changes on protein structure and function output the following: SIFT: "Tolerated"; PolyPhen-2: "Benign"; Align-GVGD: "Class C0". The glutamine amino acid residue is found in multiple mammalian species, which suggests that this missense change does not adversely affect protein function. Algorithms developed to predict the effect of sequence changes on RNA splicing suggest that this variant may create or strengthen a splice site. In summary, the available evidence is currently insufficient to determine the role of this variant in disease. Therefore, it has been classified as a Variant of Uncertain Significance.

Fulgent Genetics
Classification: Uncertain significance for Hereditary spastic paraplegia 15. Last evaluated: 2022-05-24. Review status: criteria provided, single submitter. Criteria: ACMG Guidelines, 2015. Collection method: clinical testing. Allele origin: unknown.

Genome Diagnostics Laboratory, The Hospital for Sick Children
Classification: Uncertain significance for Hereditary spastic paraplegia. Last evaluated: 2020-01-14. Review status: criteria provided, single submitter. Criteria: ACMG Guidelines, 2015. Collection method: clinical testing. Allele origin: germline. Affected: yes.

Mayo Clinic Laboratories, Mayo Clinic
Classification: Uncertain significance. Last evaluated: 2019-05-19. Review status: criteria provided, single submitter. Criteria: ACMG Guidelines, 2015. Collection method: clinical testing. Allele origin: germline. Observed: 1 variant allele.